The following is an entry in ClinVar:

NM_001379500.1(COL18A1):c.264C>G (p.Phe88Leu)

Gene: COL18A1 (collagen type XVIII alpha 1 chain; plus strand). Cytogenetic location: 21q22.3.
Variant type: single nucleotide variant.
Coding change: c.264C>G on transcript NM_001379500.1 (MANE Select); coding-DNA position 264, C replaced by G.
Protein change: p.Phe88Leu; replaces phenylalanine 88 with leucine.
Molecular consequence: missense variant.
Genome position (GRCh38, 1-based): chr21:45,468,399, C>G. VCF-style: chr21-45468399-C-G. GRCh37 (hg19) VCF-style: chr21-46888313-C-G.
Other names: c.804C>G, p.Phe268Leu (NM_030582.4); c.1509C>G, p.Phe503Leu (NM_130444.3); short protein forms F503L, F88L, F268L.
Identifiers: ClinVar variation 1977725 (VCV001977725.5), dbSNP rs2035293688, ClinGen allele CA410511691.
Genomic context (GRCh38, chr21:45,468,399, plus strand): 5'-CGTCTTTGGGCCAGATGCCAACAGTGGCCAAGTGGCCCGGTACCACTTCCCCAGCCTCTT[C>G]TTCCGTGACTTCTCACTGCTGTTCCACATCCGGCCAGCCACAGAGGGCCCAGGGGTGCTG-3'
Protein context (NP_001366429.1, residues 78-98): QVARYHFPSL[Phe88Leu]FRDFSLLFHI

ClinVar aggregate classification (germline): Uncertain significance (1 of 4 stars; one submission).

Allele frequency attached by ClinVar (database versions not stated): TOPMed below 0.00001; gnomAD 0.00001.

Submission:

Labcorp Genetics (formerly Invitae), Labcorp
Classification: Uncertain significance. Last evaluated: 2022-04-07. Review status: criteria provided, single submitter. Criteria: Invitae Variant Classification Sherloc (09022015). Collection method: clinical testing. Allele origin: germline.
Comment: This sequence change replaces phenylalanine, which is neutral and non-polar, with leucine, which is neutral and non-polar, at codon 88 of the COL18A1 protein (p.Phe88Leu). This variant is not present in population databases (gnomAD no frequency). This variant has not been reported in the literature in individuals affected with COL18A1-related conditions. Experimental studies and prediction algorithms are not available or were not evaluated, and the functional significance of this variant is currently unknown. In summary, the available evidence is currently insufficient to determine the role of this variant in disease. Therefore, it has been classified as a Variant of Uncertain Significance.